The following is an entry in ClinVar:

ClinVar aggregate classification (germline): Uncertain significance. Review status: criteria provided, multiple submitters, no conflicts (2 of 4 stars). 4 submissions from 4 submitters: Uncertain significance (3). 1 of the submissions does not count toward it. Last evaluated 2025-02-08.

Conditions:
SCN4A-related disorder. Also called: SCN4A-related disorders.
Potassium-aggravated myotonia. Also called: Myotonia congenita, atypical, acetazolamide-responsive; MYOTONIA CONGENITA, ACETAZOLAMIDE-RESPONSIVE; MYOTONIA CONGENITA, ATYPICAL; SODIUM CHANNEL MUSCLE DISEASE. Identifiers: Orphanet 612, Orphanet 99734, Orphanet 99735, Orphanet 99736, MedGen C2931826, MONDO:0018959, OMIM 608390.
Congenital myasthenic syndrome 16. Identifiers: Orphanet 590, MedGen C3280112, MONDO:0013620, OMIM 614198.
Paramyotonia congenita of Von Eulenburg. Also called: Paramyotonia Congenita; PARALYSIS PERIODICA PARAMYOTONICA; Eulenburg disease; Myotonia congenita intermittens; Von Eulenburg paramyotonia congenita. Identifiers: Orphanet 684, MedGen C0221055, MONDO:0008195, OMIM 168300. Disease mechanism: loss of function.
Hypokalemic periodic paralysis, type 2 (HOKPP2). Identifiers: Orphanet 681, MedGen C2750061, MONDO:0013234, OMIM 613345.
Congenital myopathy 22A, classic (CMYO22A). Identifiers: MedGen C5830453, MONDO:0957247, OMIM 620351.
Congenital myopathy 22B, severe fetal (CMYO22B). Identifiers: MedGen C5830501, MONDO:0957265, OMIM 620369.
Hyperkalemic periodic paralysis. Also called: Familial hyperkalemic periodic paralysis; Gamstorp disease. Identifiers: Orphanet 682, MedGen C0238357, MONDO:0008224, OMIM 170500, HP:0007215.
Inborn genetic diseases. Identifiers: MedGen C0950123, MeSH D030342.

Allele frequency attached by ClinVar (database versions not stated): gnomAD 0.00002 and 0.00001; gnomAD exomes 0.00003 and 0.00002; TOPMed 0.00002; ExAC 0.00003.

Submissions (4):

Ambry Genetics
Classification: Uncertain significance for Inborn genetic diseases. Last evaluated: 2025-02-08. Review status: criteria provided, single submitter. Criteria: Ambry Variant Classification Scheme 2023. Collection method: clinical testing. Allele origin: germline.

Fulgent Genetics
Classification: Uncertain significance for Paramyotonia congenita of Von Eulenburg; Hyperkalemic periodic paralysis; Potassium-aggravated myotonia; Hypokalemic periodic paralysis, type 2; Congenital myasthenic syndrome 16; Congenital myopathy 22A, classic; Congenital myopathy 22B, severe fetal. Last evaluated: 2024-05-21. Review status: criteria provided, single submitter. Criteria: ACMG Guidelines, 2015. Collection method: clinical testing. Allele origin: germline.

Labcorp Genetics (formerly Invitae), Labcorp
Classification: Uncertain significance for Hyperkalemic periodic paralysis. Last evaluated: 2023-08-02. Review status: criteria provided, single submitter. Criteria: Invitae Variant Classification Sherloc (09022015). Collection method: clinical testing. Allele origin: germline.
Comment: This variant has not been reported in the literature in individuals affected with SCN4A-related conditions. This variant is present in population databases (rs754311975, gnomAD 0.006%). This sequence change replaces methionine, which is neutral and non-polar, with leucine, which is neutral and non-polar, at codon 1390 of the SCN4A protein (p.Met1390Leu). ClinVar contains an entry for this variant (Variation ID: 1005752). In summary, the available evidence is currently insufficient to determine the role of this variant in disease. Therefore, it has been classified as a Variant of Uncertain Significance. Advanced modeling of protein sequence and biophysical properties (such as structural, functional, and spatial information, amino acid conservation, physicochemical variation, residue mobility, and thermodynamic stability) performed at Invitae indicates that this missense variant is not expected to disrupt SCN4A protein function.

PreventionGenetics, part of Exact Sciences
Classification: Uncertain significance for SCN4A-related condition. Last evaluated: 2023-11-20. Review status: no assertion criteria provided. Collection method: clinical testing. Allele origin: germline. Not counted in ClinVar's aggregate classification.
Comment: The SCN4A c.4168A>T variant is predicted to result in the amino acid substitution p.Met1390Leu. To our knowledge, this variant has not been reported in the literature. This variant is reported in 0.0070% of alleles in individuals of European (Non-Finnish) descent in gnomAD. At this time, the clinical significance of this variant is uncertain due to the absence of conclusive functional and genetic evidence.

NM_000334.4(SCN4A):c.4168A>T (p.Met1390Leu)

Genes: GH-LCR (growth hormone locus control region; plus strand), SCN4A (sodium voltage-gated channel alpha subunit 4; minus strand). Cytogenetic location: 17q23.3.
Variant type: single nucleotide variant.
Coding change: c.4168A>T on transcript NM_000334.4 (MANE Select); coding-DNA position 4168, A replaced by T.
Protein change: p.Met1390Leu; replaces methionine 1390 with leucine.
Molecular consequence: missense variant.
Genome position (GRCh38, 1-based): chr17:63,942,946, T>A on the plus strand (A>T on the coding strand, the complement: SCN4A is on the minus strand). VCF-style: chr17-63942946-T-A. GRCh37 (hg19) VCF-style: chr17-62020306-T-A.
Other names: short protein forms M1390L.
Identifiers: ClinVar variation 1005752 (VCV001005752.11), dbSNP rs754311975, ClinGen allele CA8709043.